The following is an entry in ClinVar:

ClinVar aggregate classification (germline): Uncertain significance (1 of 4 stars; one submission).

Submission:

Women's Health and Genetics/Laboratory Corporation of America, LabCorp
Classification: Uncertain significance. Last evaluated: 2026-02-16. Review status: criteria provided, single submitter. Criteria: LabCorp Variant Classification Summary - May 2015. Collection method: clinical testing. Allele origin: germline.
Comment: Variant summary: VWA3B c.3262delA (p.Met1088CysfsX17) results in a premature termination codon, predicted to cause a truncation of the encoded protein or absence of the protein due to nonsense mediated decay, however current evidence is not sufficient to establish loss of function as a mechanism for disease. The variant was absent in 217586 control chromosomes. The available data on variant occurrences in the general population are insufficient to allow any conclusion about variant significance. To our knowledge, no occurrence of c.3262delA in individuals affected with VWA3B-related conditions and no experimental evidence demonstrating its impact on protein function have been reported. No submitters have cited clinical-significance assessments for this variant to ClinVar. Based on the evidence outlined above, the variant was classified as uncertain significance.

NM_144992.5(VWA3B):c.3262del (p.Met1088fs)

Gene: VWA3B (von Willebrand factor A domain containing 3B; plus strand). Cytogenetic location: 2q11.2.
Variant type: Deletion.
Coding change: c.3262del on transcript NM_144992.5 (MANE Select); coding-DNA position 3262, one base deleted (A; older notation c.3262delA).
Protein change: p.Met1088fs; shifts the reading frame from methionine 1088.
Molecular consequence: frameshift variant. On other transcripts: non-coding transcript variant (1).
Genome position (GRCh38, 1-based): chr2:98,298,011, A deleted. VCF-style (leftmost placement, unchanged base first): chr2-98298010-CA-C. GRCh37 (hg19) VCF-style: chr2-98914473-CA-C.
Other names: c.2233del, p.Met745fs (NM_001345864.2); c.3262delA (NM_144992.5); short protein forms M1088fs, M745fs.
Identifiers: ClinVar variation 4847800 (VCV004847800.1).